The following is an entry in ClinVar:

ClinVar aggregate classification (germline): Uncertain significance. Review status: criteria provided, multiple submitters, no conflicts (2 of 4 stars). 14 submissions from 14 submitters: Uncertain significance (13). 1 of the submissions does not count toward it. Last evaluated 2026-01-11.

Conditions:
Familial prostate cancer. Also called: Hereditary Prostate Cancer. Identifiers: MedGen C2931456, MONDO:0700275, OMIM 176807.
CHEK2-related cancer predisposition (TPDS4). Also called: TUMOR PREDISPOSITION SYNDROME 4; CANCER PREDISPOSITION SYNDROME, CHEK2-RELATED; CHEK2-related cancer susceptibility. Identifiers: Orphanet 524, MedGen C5882668, MONDO:0700271, OMIM 609265.
Bone osteosarcoma. Also called: Osteosarcoma, somatic. Identifiers: Orphanet 668, MedGen C0585442, MONDO:0002629, OMIM 259500.
Hereditary cancer-predisposing syndrome. Also called: Neoplastic Syndromes, Hereditary; Tumor predisposition; Hereditary neoplastic syndrome; Hereditary Cancer Syndrome. Identifiers: Orphanet 140162, MedGen C0027672, MeSH D009386, MONDO:0015356.
Familial cancer of breast. Also called: hereditary breast carcinoma; BREAST CANCER, FAMILIAL; Hereditary breast cancer. Identifiers: Orphanet 227535, MedGen C0346153, MONDO:0016419, OMIM 114480. Disease mechanism: loss of function.
Malignant tumor of breast. Also called: Cancer breast; Malignant breast neoplasm. Identifiers: MedGen C0006142, MONDO:0007254. Disease mechanism: loss of function.

Allele frequency attached by ClinVar (database versions not stated): gnomAD 0.00001; ESP Exome Variant Server 0.00008.
gnomAD v4.1: 25 of 1,613,958 alleles (0.0015%); highest among the groups gnomAD compares: Admixed American, 0.012%; no homozygotes.

Submissions (14):

Labcorp Genetics (formerly Invitae), Labcorp
Classification: Uncertain significance for Familial cancer of breast. Last evaluated: 2026-01-11. Review status: criteria provided, single submitter. Criteria: Invitae Variant Classification Sherloc (09022015). Collection method: clinical testing. Allele origin: germline.
Comment: This sequence change replaces asparagine, which is neutral and polar, with serine, which is neutral and polar, at codon 186 of the CHEK2 protein (p.Asn186Ser). This variant is present in population databases (rs369223840, gnomAD 0.01%). This missense change has been observed in individual(s) with breast cancer (PMID: 27783279, 37449874). This variant is also known as c.686A>G (p.N229S). ClinVar contains an entry for this variant (Variation ID: 219529). An algorithm developed to predict the effect of missense changes on protein structure and function (PolyPhen-2) suggests that this variant is likely to be disruptive. Experimental studies have shown that this missense change does not substantially affect CHEK2 function (PMID: 37449874). RNA analysis performed to evaluate the impact of this missense change on mRNA splicing indicates it does not significantly alter splicing (internal data). In summary, the available evidence is currently insufficient to determine the role of this variant in disease. Therefore, it has been classified as a Variant of Uncertain Significance.

Ambry Genetics
Classification: Uncertain significance for Hereditary cancer-predisposing syndrome. Last evaluated: 2025-12-11. Review status: criteria provided, single submitter. Criteria: Ambry Variant Classification Scheme 2023. Collection method: clinical testing. Allele origin: germline.
Comment: The p.N186S variant (also known as c.557A>G), located in coding exon 3 of the CHEK2 gene, results from an A to G substitution at nucleotide position 557. The asparagine at codon 186 is replaced by serine, an amino acid with highly similar properties. This variant was reported as functional in a study assessing CHEK2-complementation through quantification of KAP1 phosphorylation and CHK2 autophosphorylation in human RPE1-CHEK2-knockout cells (Stolarova L et al. Clin Cancer Res, 2023 Aug;29:3037-3050). This amino acid position is highly conserved in available vertebrate species. In addition, the in silico prediction for this alteration is inconclusive. Based on the available evidence, the clinical significance of this variant remains unclear.

Fulgent Genetics
Classification: Uncertain significance for Familial prostate cancer; Bone osteosarcoma; CHEK2-related cancer predisposition. Last evaluated: 2024-05-23. Review status: criteria provided, single submitter. Criteria: ACMG Guidelines, 2015. Collection method: clinical testing. Allele origin: germline.

Baylor Genetics
Classification: Uncertain significance for Familial cancer of breast. Last evaluated: 2024-02-17. Review status: criteria provided, single submitter. Criteria: ACMG Guidelines, 2015. Collection method: clinical testing. Allele origin: unknown.

Quest Diagnostics Nichols Institute San Juan Capistrano
Classification: Uncertain significance. Last evaluated: 2024-02-12. Review status: criteria provided, single submitter. Criteria: Quest Diagnostics criteria. Collection method: clinical testing. Allele origin: unknown.
Comment: The CHEK2 c.557A>G (p.Asn186Ser) variant has been reported in the published literature in individuals with a personal and/or family history of breast cancer (PMID: 27783279 (2016), 33471991 (2021), see also LOVD)). This variant has also been identified in reportedly healthy individuals (PMID: 28779002 (2017), 30287823 (2018), 33471991 (2021), 36243179 (2022), see also LOVD)). The frequency of this variant in the general population, 0.00012 (4/34588 chromosomes (Genome Aggregation Database)), is uninformative in the assessment of its pathogenicity. Analysis of this variant using bioinformatics tools for the prediction of the effect of amino acid changes on protein structure and function yielded predictions that this variant is damaging. Based on the available information, we are unable to determine the clinical significance of this variant.

GeneDx
Classification: Uncertain significance. Last evaluated: 2023-12-22. Review status: criteria provided, single submitter. Criteria: GeneDx Variant Classification Process June 2021. Collection method: clinical testing. Allele origin: germline. Affected: yes.
Comment: Reported in individuals with a personal and/or family history of breast, ovarian, and other cancers, and also in unaffected control groups (PMID: 27783279, 30287823, 36243179, 33850299); Not observed at significant frequency in large population cohorts (gnomAD); In silico analysis supports that this missense variant has a deleterious effect on protein structure/function; Also known as c.686A>G; p.(N229S); This variant is associated with the following publications: (PMID: 25420024, 30287823, 23911319, 26818556, 25417114, 28555940, 31398194, 27783279, 19782031, 22419737, 36243179, 34482403, 33850299)

Genomic Research Center, Shahid Beheshti University of Medical Sciences
Classification: Uncertain significance for Malignant tumor of breast. Last evaluated: 2023-12-10. Review status: criteria provided, single submitter. Criteria: ACMG Guidelines, 2015. Collection method: clinical testing. Allele origin: unknown. Affected: yes.

Color Diagnostics, LLC DBA Color Health
Classification: Uncertain significance for Hereditary cancer-predisposing syndrome. Last evaluated: 2023-03-21. Review status: criteria provided, single submitter. Criteria: ACMG Guidelines, 2015. Collection method: clinical testing. Allele origin: germline.
Comment: This missense variant replaces asparagine with serine at codon 186 of the CHEK2 protein. Computational prediction is inconclusive regarding the impact of this variant on protein structure and function (internally defined REVEL score threshold 0.5 < inconclusive < 0.7, PMID: 27666373). To our knowledge, functional studies have not been reported for this variant. This variant (also known as p.Asn229Ser in the literature) has been reported in an individual with personal and/or family history of breast cancer (PMID: 27783279). This variant has also been identified in 8/251416 chromosomes in the general population by the Genome Aggregation Database (gnomAD). The available evidence is insufficient to determine the role of this variant in disease conclusively. Therefore, this variant is classified as a Variant of Uncertain Significance.

Myriad Genetics, Inc.
Classification: Uncertain significance for Familial cancer of breast. Last evaluated: 2023-03-08. Review status: criteria provided, single submitter. Criteria: Myriad Autosomal Dominant, Autosomal Recessive and X-Linked Classification Criteria (2023). Collection method: clinical testing. Allele origin: unknown.
Comment: This variant is classified as a variant of uncertain significance as there is insufficient evidence to determine its impact on protein function and/or cancer risk.

Mendelics
Classification: Uncertain significance. Last evaluated: 2022-05-04. Review status: criteria provided, single submitter. Criteria: Mendelics Assertion Criteria 2019. Collection method: clinical testing. Allele origin: germline.

MGZ Medical Genetics Center
Classification: Uncertain significance for Familial cancer of breast. Last evaluated: 2022-01-26. Review status: criteria provided, single submitter. Criteria: ACMG Guidelines, 2015. Collection method: clinical testing. Allele origin: germline. Affected: yes. Observed: 1 variant allele.
Comment: ACMG criteria applied: PS4_MOD, PM2_SUP, PP3

Department of Pathology and Laboratory Medicine, Sinai Health System
Classification: Uncertain significance for CHEK2-related cancer predisposition. Last evaluated: 2021-11-09. Review status: criteria provided, single submitter. Criteria: ACMG Guidelines, 2015. Collection method: clinical testing. Allele origin: germline. Affected: yes.

Genetic Services Laboratory, University of Chicago
Classification: Uncertain significance. Last evaluated: 2021-03-10. Review status: criteria provided, single submitter. Criteria: ACMG Guidelines, 2015. Collection method: clinical testing. Allele origin: germline. Affected: no.

Counsyl
Classification: Uncertain significance for Familial cancer of breast. Last evaluated: 2016-03-23. Review status: no assertion criteria provided. Collection method: clinical testing. Allele origin: unknown. Not counted in ClinVar's aggregate classification.

Literature cited by the submitters: PubMed 27783279 (cited by 4 submitters); PubMed 37449874 (cited by Labcorp Genetics (formerly Invitae), Labcorp and Ambry Genetics); PubMed 23911319 (cited by Ambry Genetics and Quest Diagnostics Nichols Institute San Juan Capistrano); PubMed 25417114 (cited by Ambry Genetics and Quest Diagnostics Nichols Institute San Juan Capistrano); PubMed 28555940 (cited by Ambry Genetics and Quest Diagnostics Nichols Institute San Juan Capistrano); PubMed 30287823 (cited by Quest Diagnostics Nichols Institute San Juan Capistrano); PubMed 33471991 (cited by Quest Diagnostics Nichols Institute San Juan Capistrano); PubMed 28779002 (cited by Quest Diagnostics Nichols Institute San Juan Capistrano); PubMed 36243179 (cited by Quest Diagnostics Nichols Institute San Juan Capistrano).

NM_007194.4(CHEK2):c.557A>G (p.Asn186Ser)

Gene: CHEK2 (checkpoint kinase 2; minus strand). Cytogenetic location: 22q12.1.
Variant type: single nucleotide variant.
Coding change: c.557A>G on transcript NM_007194.4 (MANE Select); coding-DNA position 557, A replaced by G.
Protein change: p.Asn186Ser; replaces asparagine 186 with serine.
Molecular consequence: missense variant. On other transcripts: 5 prime UTR variant (2), intron variant (1).
Genome position (GRCh38, 1-based): chr22:28,725,012, T>C on the plus strand (A>G on the coding strand, the complement: CHEK2 is on the minus strand). VCF-style: chr22-28725012-T-C. GRCh37 (hg19) VCF-style: chr22-29121000-T-C.
Other names: c.686A>G, p.Asn229Ser (NM_001005735.3, NM_001438294.1); c.-221A>G (NM_001257387.3); c.-107A>G (NM_001437942.1); c.650A>G, p.Asn217Ser (NM_001438293.1, NM_001438295.1); c.557A>G, p.Asn186Ser (NM_145862.3); c.445-89A>G (NM_001349956.3); short protein forms N186S, N229S, N217S.
Identifiers: ClinVar variation 219529 (VCV000219529.47), dbSNP rs369223840, ClinGen allele CA350486.
Genomic context (GRCh38, chr22:28,725,012, plus strand): 5'-AGTAACCATAAGATAATAATATTACCTTTATTTCTGCTTAGTGACAGTGCAATTTCAGAA[T>C]TGTTATTCAAAGGACGGCGTTTTCCTTTCCCTACAAGCTCTGTATTTACAAAGGTTCCAT-3'
Protein context (NP_009125.1, residues 176-196): GKGKRRPLNN[Asn186Ser]SEIALSLSRN